The following is an entry in ClinVar:

ClinVar aggregate classification (germline): Uncertain significance (1 of 4 stars; one submission).

Conditions:
Dilated cardiomyopathy 1O (CMD1O). Also called: CARDIOMYOPATHY, DILATED, WITH VENTRICULAR TACHYCARDIA. Identifiers: Orphanet 154, MedGen C1837839, MONDO:0012062, OMIM 608569.

Submission:

Labcorp Genetics (formerly Invitae), Labcorp
Classification: Uncertain significance for Dilated cardiomyopathy 1O. Last evaluated: 2023-02-22. Review status: criteria provided, single submitter. Criteria: Invitae Variant Classification Sherloc (09022015). Collection method: clinical testing. Allele origin: germline.
Comment: This sequence change falls in intron 22 of the ABCC9 gene. It does not directly change the encoded amino acid sequence of the ABCC9 protein. This variant is not present in population databases (gnomAD no frequency). This variant has not been reported in the literature in individuals affected with ABCC9-related conditions. Algorithms developed to predict the effect of sequence changes on RNA splicing suggest that this variant may disrupt the consensus splice site. In summary, the available evidence is currently insufficient to determine the role of this variant in disease. Therefore, it has been classified as a Variant of Uncertain Significance.

NM_020297.4(ABCC9):c.2770-10T>G

Gene: ABCC9 (ATP binding cassette subfamily C member 9; minus strand). Cytogenetic location: 12p12.1.
Variant type: single nucleotide variant.
Coding change: c.2770-10T>G on transcript NM_020297.4 (MANE Select); 10 bases into the intron before coding-DNA position 2770, T replaced by G.
Molecular consequence: intron variant.
Genome position (GRCh38, 1-based): chr12:21,848,256, A>C on the plus strand (T>G on the coding strand, the complement: ABCC9 is on the minus strand). VCF-style: chr12-21848256-A-C. GRCh37 (hg19) VCF-style: chr12-22001190-A-C.
Other names: c.1903-10T>G (NM_001377274.1); c.2770-10T>G (NM_005691.4, NM_001377273.1).
Identifiers: ClinVar variation 2789251 (VCV002789251.3), dbSNP rs2541103512, ClinGen allele CA2575099455.